The following is an entry in ClinVar:

ClinVar aggregate classification (germline): Uncertain significance (1 of 4 stars; one submission).

Conditions:
Pituitary hormone deficiency, combined, 1 (CPHD1). Also called: Pituitary hormone deficiency, combined or isolated, 1. Identifiers: MedGen C2751608, MONDO:0024464, OMIM 613038.

gnomAD v4.1: 12 of 1,614,108 alleles (0.00074%); highest among the groups gnomAD compares: African/African-American, 0.0013%; no homozygotes.

Submission:

Juno Genomics, Hangzhou Juno Genomics, Inc
Classification: Uncertain significance for Pituitary hormone deficiency, combined, 1. Review status: criteria provided, single submitter. Criteria: ACMG Guidelines, 2015. Collection method: clinical testing. Allele origin: germline.
Comment: Absent from controls (or at extremely low frequency if recessive) in Genome Aggregation Database.;Multiple lines of computational evidence support a deleterious effect on the gene or gene product.

NM_000306.4(POU1F1):c.458T>C (p.Val153Ala)

Gene: POU1F1 (POU class 1 homeobox 1; minus strand). Cytogenetic location: 3p11.2.
Variant type: single nucleotide variant.
Coding change: c.458T>C on transcript NM_000306.4 (MANE Select); coding-DNA position 458, T replaced by C.
Protein change: p.Val153Ala; replaces valine 153 with alanine.
Molecular consequence: missense variant.
Genome position (GRCh38, 1-based): chr3:87,262,217, A>G on the plus strand (T>C on the coding strand, the complement: POU1F1 is on the minus strand). VCF-style: chr3-87262217-A-G. GRCh37 (hg19) VCF-style: chr3-87311367-A-G.
Other names: c.536T>C, p.Val179Ala (NM_001122757.3); short protein forms V153A, V179A.
Identifiers: ClinVar variation 5006703 (VCV005006703.2).